The following is an entry in ClinVar:

ClinVar aggregate classification (germline): Conflicting classifications of pathogenicity. Review status: criteria provided, conflicting classifications (1 of 4 stars). 6 submissions from 6 submitters: Pathogenic (2); Likely pathogenic (1); Uncertain significance (1). 2 of the submissions do not count toward it. Last evaluated 2025-11-27.

Conditions:
Severe early-childhood-onset retinal dystrophy (STGD1). Also called: Stargardt macular dystrophy; Juvenile onset macular degeneration; Stargardt disease 1; MACULAR DYSTROPHY WITH FLECKS, TYPE 1; STGD. Identifiers: Orphanet 364055, Orphanet 827, MedGen C1855465, MeSH D000080362, MONDO:0009549, OMIM 248200.
Cone-rod dystrophy 3 (CORD3). Identifiers: Orphanet 1872, MedGen C1858806, MONDO:0011395, OMIM 604116.
Retinitis pigmentosa 19 (RP19). Also called: ABCA4-Related Retinitis Pigmentosa. Identifiers: Orphanet 791, MedGen C1866422, MONDO:0011137, OMIM 601718.
Age related macular degeneration 2. Also called: MACULAR DEGENERATION, SENILE; MACULOPATHY, AGE-RELATED, 2; MACULOPATHY, AGE-RELATED. Identifiers: MedGen C3495438, MONDO:0007932, OMIM 153800.
Stargardt disease (FFM). Also called: Fundus flavimaculatus; Stargardt's disease. Identifiers: Orphanet 827, MedGen C0271093, MONDO:0019353.

Allele frequency attached by ClinVar (database versions not stated): gnomAD exomes 0.00001 and below 0.00001; TOPMed 0.00003; gnomAD 0.00001.
gnomAD v4.1: 6 of 1,614,022 alleles (0.00037%); highest among the groups gnomAD compares: East Asian, 0.011%; no homozygotes.

Submissions (6):

Labcorp Genetics (formerly Invitae), Labcorp
Classification: Likely pathogenic. Last evaluated: 2025-11-27. Review status: criteria provided, single submitter. Criteria: Invitae Variant Classification Sherloc (09022015). Collection method: clinical testing. Allele origin: germline.
Comment: This sequence change replaces glutamic acid, which is acidic and polar, with lysine, which is basic and polar, at codon 1036 of the ABCA4 protein (p.Glu1036Lys). This variant is present in population databases (rs61750061, gnomAD 0.02%). This missense change has been observed in individual(s) with ABCA4-related conditions (PMID: 10958763, 24938718, 26780318, 29975949, 32845068, 33090715, 33301772). ClinVar contains an entry for this variant (Variation ID: 7886). Invitae Evidence Modeling of protein sequence and biophysical properties (such as structural, functional, and spatial information, amino acid conservation, physicochemical variation, residue mobility, and thermodynamic stability) indicates that this missense variant is not expected to disrupt ABCA4 protein function with a negative predictive value of 95%. In summary, the currently available evidence indicates that the variant is pathogenic, but additional data are needed to prove that conclusively. Therefore, this variant has been classified as Likely Pathogenic.

Women's Health and Genetics/Laboratory Corporation of America, LabCorp
Classification: Pathogenic for Stargardt disease. Last evaluated: 2023-10-10. Review status: criteria provided, single submitter. Criteria: LabCorp Variant Classification Summary - May 2015. Collection method: clinical testing. Allele origin: germline.
Comment: Variant summary: ABCA4 c.3106G>A (p.Glu1036Lys) results in a conservative amino acid change in the encoded protein sequence. Four of five in-silico tools predict a benign effect of the variant on protein function. The variant allele was found at a frequency of 1.2e-05 in 251316 control chromosomes. c.3106G>A has been reported in the literature in multiple individuals affected with Stargardt Disease or cone-rod dystrophy (e.g. Liu_2020, Liu_2021, Sun_2021, Jiang_2016), and some were reported as compound heterozygous with other pathogenic variants. These data indicate that the variant is very likely to be associated with disease. The following publications have been ascertained in the context of this evaluation (PMID: 24938718, 32845068, 33090715, 33301772, 33732702, 26780318). One submitter has cited a clinical-significance assessment for this variant to ClinVar after 2014 and has classified the variant as likely pathogenic. Based on the evidence outlined above, the variant was classified as pathogenic.

Blueprint Genetics
Classification: Uncertain significance. Last evaluated: 2023-05-24. Review status: criteria provided, single submitter. Criteria: ACMG Guidelines, 2015. Collection method: clinical testing. Allele origin: germline.

Juno Genomics, Hangzhou Juno Genomics, Inc
Classification: Pathogenic for Age related macular degeneration 2; Cone-rod dystrophy 3; Severe early-childhood-onset retinal dystrophy; Retinitis pigmentosa 19. Review status: criteria provided, single submitter. Criteria: ACMG Guidelines, 2015. Collection method: clinical testing. Allele origin: germline. Affected: yes.
Comment: Absent from controls (or at extremely low frequency if recessive) in Genome Aggregation Database, Exome Sequencing Project, 1000 Genomes Project, or Exome Aggregation Consortium.;For recessive disorders, detected in trans with a pathogenic variant.;Patient's phenotype or family history is highly specific for a disease with a single genetic etiology.

OMIM
Classification: Pathogenic for STARGARDT DISEASE 1. Last evaluated: 1998-01-01. Review status: no assertion criteria provided. Collection method: literature only. Allele origin: germline. Not counted in ClinVar's aggregate classification.

Retina International
No classification provided. Review status: no classification provided. Collection method: not provided. Allele origin: not provided. Not counted in ClinVar's aggregate classification.

Literature cited by the submitters: PubMed 10958763 (cited by Labcorp Genetics (formerly Invitae), Labcorp); PubMed 24938718 (cited by Labcorp Genetics (formerly Invitae), Labcorp and Women's Health and Genetics/Laboratory Corporation of America, LabCorp); PubMed 26780318 (cited by Labcorp Genetics (formerly Invitae), Labcorp and Women's Health and Genetics/Laboratory Corporation of America, LabCorp); PubMed 29975949 (cited by Labcorp Genetics (formerly Invitae), Labcorp); PubMed 32845068 (cited by Labcorp Genetics (formerly Invitae), Labcorp and Women's Health and Genetics/Laboratory Corporation of America, LabCorp); PubMed 33090715 (cited by Labcorp Genetics (formerly Invitae), Labcorp and Women's Health and Genetics/Laboratory Corporation of America, LabCorp); PubMed 33301772 (cited by Labcorp Genetics (formerly Invitae), Labcorp and Women's Health and Genetics/Laboratory Corporation of America, LabCorp); PubMed 33732702 (cited by Women's Health and Genetics/Laboratory Corporation of America, LabCorp); PubMed 9490294 (cited by OMIM).

NM_000350.3(ABCA4):c.3106G>A (p.Glu1036Lys)

Gene: ABCA4 (ATP binding cassette subfamily A member 4; minus strand). Cytogenetic location: 1p22.1.
Variant type: single nucleotide variant.
Coding change: c.3106G>A on transcript NM_000350.3 (MANE Select); coding-DNA position 3106, G replaced by A.
Protein change: p.Glu1036Lys; replaces glutamic acid 1036 with lysine.
Molecular consequence: missense variant.
Genome position (GRCh38, 1-based): chr1:94,043,420, C>T on the plus strand (G>A on the coding strand, the complement: ABCA4 is on the minus strand). VCF-style: chr1-94043420-C-T. GRCh37 (hg19) VCF-style: chr1-94508976-C-T.
Other names: c.2884G>A, p.Glu962Lys (NM_001425324.1); short protein forms E1036K, E962K.
Identifiers: ClinVar variation 7886 (VCV000007886.11), dbSNP rs61750061, ClinGen allele CA227082.